The following is an entry in ClinVar:

NM_024989.4(PGAP1):c.1220+3A>G

Gene: PGAP1 (post-GPI attachment to proteins inositol deacylase 1; minus strand). Cytogenetic location: 2q33.1.
Variant type: single nucleotide variant.
Coding change: c.1220+3A>G on transcript NM_024989.4 (MANE Select); 3 bases into the intron after coding-DNA position 1220, A replaced by G.
Molecular consequence: intron variant.
Genome position (GRCh38, 1-based): chr2:196,885,831, T>C on the plus strand (A>G on the coding strand, the complement: PGAP1 is on the minus strand). VCF-style: chr2-196885831-T-C. GRCh37 (hg19) VCF-style: chr2-197750555-T-C.
Other names: c.53+3A>G (NM_001321100.2); c.698+3A>G (NM_001321099.2).
Identifiers: ClinVar variation 1364325 (VCV001364325.4), dbSNP rs2125812472, ClinGen allele CA2573134296.

ClinVar aggregate classification (germline): Uncertain significance (1 of 4 stars; one submission).

Conditions:
Intellectual disability, autosomal recessive 42 (NEDDSBA). Also called: GLYCOSYLPHOSPHATIDYLINOSITOL BIOSYNTHESIS DEFECT 9; Neurodevelopmental disorder with dysmorphic features, spasticity, and brain abnormalities. Identifiers: Orphanet 88616, MedGen C4014343, MONDO:0014348, OMIM 615802.

Submission:

Labcorp Genetics (formerly Invitae), Labcorp
Classification: Uncertain significance for Intellectual disability, autosomal recessive 42. Last evaluated: 2023-06-13. Review status: criteria provided, single submitter. Criteria: Invitae Variant Classification Sherloc (09022015). Collection method: clinical testing. Allele origin: germline.
Comment: In summary, the available evidence is currently insufficient to determine the role of this variant in disease. Therefore, it has been classified as a Variant of Uncertain Significance. Variants that disrupt the consensus splice site are a relatively common cause of aberrant splicing (PMID: 17576681, 9536098). Algorithms developed to predict the effect of sequence changes on RNA splicing suggest that this variant is not likely to affect RNA splicing. ClinVar contains an entry for this variant (Variation ID: 1364325). This variant has not been reported in the literature in individuals affected with PGAP1-related conditions. This variant is not present in population databases (gnomAD no frequency). This sequence change falls in intron 11 of the PGAP1 gene. It does not directly change the encoded amino acid sequence of the PGAP1 protein. It affects a nucleotide within the consensus splice site.

Literature cited by the submitters: PubMed 17576681; PubMed 9536098.